The following is an entry in ClinVar:

ClinVar aggregate classification (germline): Uncertain significance. Review status: criteria provided, multiple submitters, no conflicts (2 of 4 stars). 2 submissions from 2 submitters: Uncertain significance (2). Last evaluated 2024-11-01.

Submissions (2):

CeGaT Center for Human Genetics Tuebingen
Classification: Uncertain significance. Last evaluated: 2024-11-01. Review status: criteria provided, single submitter. Criteria: CeGaT Center For Human Genetics Tuebingen Variant Classification Criteria Version 2. Collection method: clinical testing. Allele origin: germline. Affected: yes. Observed: 1 variant allele.
Comment: CACNA1G: PM2

Revvity Omics, Revvity
Classification: Uncertain significance. Last evaluated: 2022-12-08. Review status: criteria provided, single submitter. Criteria: ACMG Guidelines, 2015. Collection method: clinical testing. Allele origin: germline.

NM_018896.5(CACNA1G):c.6948dup (p.Glu2317fs)

Gene: CACNA1G (calcium voltage-gated channel subunit alpha1 G; plus strand). Cytogenetic location: 17q21.33.
Variant type: Duplication.
Coding change: c.6948dup on transcript NM_018896.5 (MANE Select); coding-DNA position 6948, one base duplicated (C; older notation c.6948dupC).
Protein change: p.Glu2317fs; shifts the reading frame from glutamic acid 2317.
Molecular consequence: frameshift variant. On other transcripts: non-coding transcript variant (5).
Genome position (GRCh38, 1-based): chr17:50,626,565, C duplicated; the last of 7 consecutive C bases (chr17:50,626,559-50,626,565); duplicating any one gives the same sequence. VCF-style (leftmost placement, unchanged base first): chr17-50626558-A-AC. GRCh37 (hg19) VCF-style: chr17-48703919-A-AC.
Other names: c.6759dup, p.Glu2254fs (NM_001256324.2); c.6690dup, p.Glu2231fs (NM_001256325.2); c.6678dup, p.Glu2227fs (NM_001256326.2); c.6648dup, p.Glu2217fs (NM_001256327.2); c.6594dup, p.Glu2199fs (NM_001256328.2); c.6567dup, p.Glu2190fs (NM_001256329.2, NM_198387.3); c.6534dup, p.Glu2179fs (NM_001256330.2); c.6513dup, p.Glu2172fs (NM_001256331.2); and 18 more; short protein forms E2186fs, E2188fs, E2190fs, E2197fs, E2199fs, E2201fs, E2206fs, E2213fs.
Identifiers: ClinVar variation 2439675 (VCV002439675.17), dbSNP rs766047428, ClinGen allele CA8653760.